The following is an entry in ClinVar:

ClinVar aggregate classification (germline): Uncertain significance (1 of 4 stars; one submission).

Allele frequency attached by ClinVar (database versions not stated): gnomAD exomes 0.00001; TOPMed 0.00002; gnomAD 0.00003.
gnomAD v4.1: 26 of 1,609,792 alleles (0.0016%); highest among the groups gnomAD compares: Non-Finnish European, 0.002%; no homozygotes.

Submission:

GeneDx
Classification: Uncertain significance. Last evaluated: 2024-09-17. Review status: criteria provided, single submitter. Criteria: GeneDx Variant Classification Process June 2021. Collection method: clinical testing. Allele origin: germline. Affected: yes.
Comment: Not observed at significant frequency in large population cohorts (gnomAD); Missense variant in a gene in which most reported pathogenic variants are truncating/loss of function; Has not been previously published as pathogenic or benign to our knowledge

NM_001267550.2(TTN):c.36063A>C (p.Glu12021Asp)

Gene: TTN (titin; minus strand). Cytogenetic location: 2q31.2.
Variant type: single nucleotide variant.
Coding change: c.36063A>C on transcript NM_001267550.2 (MANE Select); coding-DNA position 36063, A replaced by C.
Protein change: p.Glu12021Asp; replaces glutamic acid 12021 with aspartic acid.
Molecular consequence: missense variant. On other transcripts: intron variant (5).
Genome position (GRCh38, 1-based): chr2:178,664,907, T>G on the plus strand (A>C on the coding strand, the complement: TTN is on the minus strand). VCF-style: chr2-178664907-T-G. GRCh37 (hg19) VCF-style: chr2-179529634-T-G.
Other names: c.13283-22590A>C (NM_003319.4); c.13859-22590A>C (NM_133437.4); c.13658-22590A>C (NM_133432.3); c.31484-1852A>C (NM_133378.4); c.34265-1852A>C (NM_001256850.1); short protein forms E12021D.
Identifiers: ClinVar variation 1708719 (VCV001708719.3), dbSNP rs915324688, ClinGen allele CA349503368.